The following is an entry in ClinVar:

NM_020911.2(PLXNA4):c.3131G>A (p.Arg1044Gln)

Gene: PLXNA4 (plexin A4; minus strand). Cytogenetic location: 7q32.3.
Variant type: single nucleotide variant.
Coding change: c.3131G>A on transcript NM_020911.2 (MANE Select); coding-DNA position 3131, G replaced by A.
Protein change: p.Arg1044Gln; replaces arginine 1044 with glutamine.
Molecular consequence: missense variant.
Genome position (GRCh38, 1-based): chr7:132,185,326, C>T on the plus strand (G>A on the coding strand, the complement: PLXNA4 is on the minus strand). VCF-style: chr7-132185326-C-T. GRCh37 (hg19) VCF-style: chr7-131870085-C-T.
Other names: c.3131G>A, p.Arg1044Gln (NM_001393897.1); short protein forms R1044Q.
Identifiers: ClinVar variation 3352613 (VCV003352613.1).

ClinVar aggregate classification (germline): Uncertain significance (0 of 4 stars; one submission).

Conditions:
PLXNA4-related disorder. Also called: PLXNA4-related condition.

gnomAD v4.1: 24 of 1,613,662 alleles (0.0015%); highest among the groups gnomAD compares: South Asian, 0.0066%; no homozygotes.

Submission:

PreventionGenetics, part of Exact Sciences
Classification: Uncertain significance for PLXNA4-related condition. Last evaluated: 2024-05-15. Review status: no assertion criteria provided. Collection method: clinical testing. Allele origin: germline.
Comment: The PLXNA4 c.3131G>A variant is predicted to result in the amino acid substitution p.Arg1044Gln. To our knowledge, this variant has not been reported in the literature. This variant is reported in 0.0098% of alleles in individuals of South Asian descent in gnomAD. At this time, the clinical significance of this variant is uncertain due to the absence of conclusive functional and genetic evidence.